The following is an entry in ClinVar:

NM_001004127.3(ALG11):c.1192G>A (p.Glu398Lys)

Genes: UTP14C (UTP14C small subunit processome component; plus strand), ALG11 (ALG11 alpha-1,2-mannosyltransferase; plus strand). Cytogenetic location: 13q14.3.
Variant type: single nucleotide variant.
Coding change: c.1192G>A on transcript NM_001004127.3 (MANE Select); coding-DNA position 1192, G replaced by A.
Protein change: p.Glu398Lys; replaces glutamic acid 398 with lysine.
Molecular consequence: missense variant. On other transcripts: 5 prime UTR variant (1).
Genome position (GRCh38, 1-based): chr13:52,024,922, G>A. VCF-style: chr13-52024922-G-A. GRCh37 (hg19) VCF-style: chr13-52599058-G-A.
Other names: c.-502G>A (NM_021645.6); c.1192G>A (NM_001004127.2); short protein forms E398K.
Identifiers: ClinVar variation 31646 (VCV000031646.2), dbSNP rs387907183, ClinGen allele CA260043.
Genomic context (GRCh38, chr13:52,024,922, plus strand): 5'-TTTGATGAATTAAAGAATTATTTGTCTGAAGCAACAATTGGTCTGCATACCATGTGGAAC[G>A]AGCATTTTGGGATTGGTGAGTTTGGCCTTTAAACAACTTGTTTGGTGCCATGAGATACAC-3'
Protein context (NP_001004127.2, residues 388-408): ATIGLHTMWN[Glu398Lys]HFGIGVVECM

ClinVar aggregate classification (germline): Uncertain significance. Review status: criteria provided, single submitter (1 of 4 stars). 2 submissions from 2 submitters: Uncertain significance (1). 1 of the submissions does not count toward it. Last evaluated 2024-11-20.

Conditions:
Inborn genetic diseases. Identifiers: MedGen C0950123, MeSH D030342.
ALG11-congenital disorder of glycosylation. Also called: CONGENITAL DISORDER OF GLYCOSYLATION, TYPE Ip; ALG11-CDG. Identifiers: Orphanet 280071, MedGen C3150913, MONDO:0013349, OMIM 613661.

Allele frequency attached by ClinVar (database versions not stated): TOPMed below 0.00001.
gnomAD v4.1: 4 of 1,609,726 alleles (0.00025%); highest among the groups gnomAD compares: Admixed American, 0.0017%; no homozygotes.

Submissions (2):

Ambry Genetics
Classification: Uncertain significance for Inborn genetic diseases. Last evaluated: 2024-11-20. Review status: criteria provided, single submitter. Criteria: Ambry Variant Classification Scheme 2023. Collection method: clinical testing. Allele origin: germline.
Comment: The c.1192G>A (p.E398K) alteration is located in exon 3 (coding exon 3) of the ALG11 gene. This alteration results from a G to A substitution at nucleotide position 1192, causing the glutamic acid (E) at amino acid position 398 to be replaced by a lysine (K). This variant was not reported in population-based cohorts in the Genome Aggregation Database (gnomAD). This amino acid position is highly conserved in available vertebrate species. This alteration is predicted to be deleterious by in silico analysis. Based on insufficient or conflicting evidence, the clinical significance of this alteration remains unclear.

OMIM
Classification: Pathogenic for CONGENITAL DISORDER OF GLYCOSYLATION, TYPE Ip. Last evaluated: 2012-03-01. Review status: no assertion criteria provided. Collection method: literature only. Allele origin: germline. Not counted in ClinVar's aggregate classification.

Literature cited by the submitters: PubMed 22213132 (cited by Ambry Genetics and OMIM).